The following is an entry in ClinVar:

ClinVar aggregate classification (germline): Uncertain significance. Review status: criteria provided, multiple submitters, no conflicts (2 of 4 stars). 2 submissions from 2 submitters: Uncertain significance (2). Last evaluated 2024-02-06.

Conditions:
Inborn genetic diseases. Identifiers: MedGen C0950123, MeSH D030342.

gnomAD v4.1: 8 of 1,613,632 alleles (0.0005%); highest among the groups gnomAD compares: East Asian, 0.0022%; no homozygotes.

Submissions (2):

Ambry Genetics
Classification: Uncertain significance for Inborn genetic diseases. Last evaluated: 2024-02-06. Review status: criteria provided, single submitter. Criteria: Ambry Variant Classification Scheme 2023. Collection method: clinical testing. Allele origin: germline.

Labcorp Genetics (formerly Invitae), Labcorp
Classification: Uncertain significance. Last evaluated: 2023-12-07. Review status: criteria provided, single submitter. Criteria: Invitae Variant Classification Sherloc (09022015). Collection method: clinical testing. Allele origin: germline.
Comment: This sequence change replaces arginine, which is basic and polar, with histidine, which is basic and polar, at codon 1041 of the CYFIP2 protein (p.Arg1041His). This variant is present in population databases (no rsID available, gnomAD 0.003%). This variant has not been reported in the literature in individuals affected with CYFIP2-related conditions. Experimental studies and prediction algorithms are not available or were not evaluated, and the functional significance of this variant is currently unknown. In summary, the available evidence is currently insufficient to determine the role of this variant in disease. Therefore, it has been classified as a Variant of Uncertain Significance.

NM_001037333.3(CYFIP2):c.3122G>A (p.Arg1041His)

Genes: CYFIP2 (cytoplasmic FMR1 interacting protein 2; plus strand), NIPAL4-DT (NIPAL4 divergent transcript; minus strand). Cytogenetic location: 5q33.3.
Variant type: single nucleotide variant.
Coding change: c.3122G>A on transcript NM_001037333.3 (MANE Select); coding-DNA position 3122, G replaced by A.
Protein change: p.Arg1041His; replaces arginine 1041 with histidine.
Molecular consequence: missense variant.
Genome position (GRCh38, 1-based): chr5:157,383,274, G>A. VCF-style: chr5-157383274-G-A. GRCh37 (hg19) VCF-style: chr5-156810282-G-A.
Other names: c.3122G>A (NM_001037333.1); c.3044G>A, p.Arg1015His (NM_001291721.2); c.3197G>A, p.Arg1066His (NM_001291722.2); c.3122G>A, p.Arg1041His (NM_014376.4); short protein forms R1066H, R1041H, R1015H.
Identifiers: ClinVar variation 3018749 (VCV003018749.4), dbSNP rs368529367, ClinGen allele CA130177353.